The following is an entry in ClinVar:

ClinVar aggregate classification (germline): Uncertain significance. Review status: criteria provided, multiple submitters, no conflicts (2 of 4 stars). 2 submissions from 2 submitters: Uncertain significance (2). Last evaluated 2024-11-25.

Conditions:
Multiple endocrine neoplasia type 4. Also called: MULTIPLE ENDOCRINE NEOPLASIA, TYPE IV. Identifiers: Orphanet 276152, MedGen C1970712, MONDO:0012552, OMIM 610755.
Hereditary cancer-predisposing syndrome. Also called: Neoplastic Syndromes, Hereditary; Tumor predisposition; Hereditary Cancer Syndrome; Hereditary neoplastic syndrome. Identifiers: Orphanet 140162, MedGen C0027672, MeSH D009386, MONDO:0015356.

Submissions (2):

Ambry Genetics
Classification: Uncertain significance for Hereditary cancer-predisposing syndrome. Last evaluated: 2024-11-25. Review status: criteria provided, single submitter. Criteria: Ambry Variant Classification Scheme 2023. Collection method: clinical testing. Allele origin: germline.
Comment: The p.G143E variant (also known as c.428G>A), located in coding exon 1 of the CDKN1B gene, results from a G to A substitution at nucleotide position 428. The glycine at codon 143 is replaced by glutamic acid, an amino acid with similar properties. This amino acid position is conserved. In addition, this alteration is predicted to be tolerated by in silico analysis. Since supporting evidence is limited at this time, the clinical significance of this alteration remains unclear.

Labcorp Genetics (formerly Invitae), Labcorp
Classification: Uncertain significance for Multiple endocrine neoplasia type 4. Last evaluated: 2024-04-01. Review status: criteria provided, single submitter. Criteria: Invitae Variant Classification Sherloc (09022015). Collection method: clinical testing. Allele origin: germline.
Comment: This sequence change replaces glycine, which is neutral and non-polar, with glutamic acid, which is acidic and polar, at codon 143 of the CDKN1B protein (p.Gly143Glu). This variant is not present in population databases (gnomAD no frequency). This variant has not been reported in the literature in individuals affected with CDKN1B-related conditions. ClinVar contains an entry for this variant (Variation ID: 1739417). An algorithm developed to predict the effect of missense changes on protein structure and function (PolyPhen-2) suggests that this variant is likely to be tolerated. In summary, the available evidence is currently insufficient to determine the role of this variant in disease. Therefore, it has been classified as a Variant of Uncertain Significance.

NM_004064.5(CDKN1B):c.428G>A (p.Gly143Glu)

Gene: CDKN1B (cyclin dependent kinase inhibitor 1B; plus strand). Cytogenetic location: 12p13.1.
Variant type: single nucleotide variant.
Coding change: c.428G>A on transcript NM_004064.5 (MANE Select); coding-DNA position 428, G replaced by A.
Protein change: p.Gly143Glu; replaces glycine 143 with glutamic acid.
Molecular consequence: missense variant.
Genome position (GRCh38, 1-based): chr12:12,718,267, G>A. VCF-style: chr12-12718267-G-A. GRCh37 (hg19) VCF-style: chr12-12871201-G-A.
Other names: short protein forms G143E.
Identifiers: ClinVar variation 1739417 (VCV001739417.5), dbSNP rs1413091136, ClinGen allele CA383970736.